The following is an entry in ClinVar:

NM_052947.4(ALPK2):c.2931T>A (p.Ser977Arg)

Gene: ALPK2 (alpha kinase 2; minus strand). Cytogenetic location: 18q21.31.
Variant type: single nucleotide variant.
Coding change: c.2931T>A on transcript NM_052947.4 (MANE Select); coding-DNA position 2931, T replaced by A.
Protein change: p.Ser977Arg; replaces serine 977 with arginine.
Molecular consequence: missense variant.
Genome position (GRCh38, 1-based): chr18:58,537,256, A>T on the plus strand (T>A on the coding strand, the complement: ALPK2 is on the minus strand). VCF-style: chr18-58537256-A-T. GRCh37 (hg19) VCF-style: chr18-56204488-A-T.
Other names: short protein forms S977R.
Identifiers: ClinVar variation 1797829 (VCV001797829.3), dbSNP rs961313043, ClinGen allele CA300927398.

ClinVar aggregate classification (germline): Uncertain significance (1 of 4 stars; one submission).

Allele frequency attached by ClinVar (database versions not stated): gnomAD exomes below 0.00001; gnomAD 0.00001; TOPMed 0.00002.
gnomAD v4.1: 2 of 1,614,044 alleles (0.00012%); highest among the groups gnomAD compares: African/African-American, 0.0013%; no homozygotes.

Submission:

Ambry Genetics
Classification: Uncertain significance. Last evaluated: 2024-11-14. Review status: criteria provided, single submitter. Criteria: Ambry Variant Classification Scheme 2023. Collection method: clinical testing. Allele origin: germline.
Comment: The p.S977R variant (also known as c.2931T>A), located in coding exon 4 of the ALPK2 gene, results from a T to A substitution at nucleotide position 2931. The serine at codon 977 is replaced by arginine, an amino acid with dissimilar properties. This amino acid position is conserved. In addition, this alteration is predicted to be tolerated by in silico analysis. Since supporting evidence is limited at this time, the clinical significance of this alteration remains unclear.